The following is an entry in ClinVar:

NM_014339.7(IL17RA):c.665C>A (p.Thr222Asn)

Gene: IL17RA (interleukin 17 receptor A; plus strand). Cytogenetic location: 22q11.1.
Variant type: single nucleotide variant.
Coding change: c.665C>A on transcript NM_014339.7 (MANE Select); coding-DNA position 665, C replaced by A.
Protein change: p.Thr222Asn; replaces threonine 222 with asparagine.
Molecular consequence: missense variant.
Genome position (GRCh38, 1-based): chr22:17,102,205, C>A. VCF-style: chr22-17102205-C-A. GRCh37 (hg19) VCF-style: chr22-17583095-C-A.
Other names: c.665C>A, p.Thr222Asn (NM_001289905.2); short protein forms T222N.
Identifiers: ClinVar variation 573700 (VCV000573700.10), dbSNP rs1568920472, ClinGen allele CA410213035.

ClinVar aggregate classification (germline): Uncertain significance (1 of 4 stars; one submission).

Conditions:
Immunodeficiency 51 (IMD51). Also called: CANDIDIASIS, FAMILIAL, 5. Identifiers: Orphanet 1334, MedGen C4310803, MONDO:0013500, OMIM 613953.

Submission:

Labcorp Genetics (formerly Invitae), Labcorp
Classification: Uncertain significance for Immunodeficiency 51. Last evaluated: 2019-05-04. Review status: criteria provided, single submitter. Criteria: Invitae Variant Classification Sherloc (09022015). Collection method: clinical testing. Allele origin: germline.
Comment: In summary, the available evidence is currently insufficient to determine the role of this variant in disease. Therefore, it has been classified as a Variant of Uncertain Significance. Algorithms developed to predict the effect of missense changes on protein structure and function output the following: SIFT: "Tolerated"; PolyPhen-2: "Benign"; Align-GVGD: "Class C0". The asparagine amino acid residue is found in multiple mammalian species, suggesting that this missense change does not adversely affect protein function. These predictions have not been confirmed by published functional studies and their clinical significance is uncertain. This variant has not been reported in the literature in individuals with IL17RA-related disease. This variant is not present in population databases (ExAC no frequency). This sequence change replaces threonine with asparagine at codon 222 of the IL17RA protein (p.Thr222Asn). The threonine residue is moderately conserved and there is a small physicochemical difference between threonine and asparagine.